The following is an entry in ClinVar:

NM_052813.5(CARD9):c.736C>G (p.Leu246Val)

Gene: CARD9 (caspase recruitment domain family member 9; minus strand). Cytogenetic location: 9q34.3.
Variant type: single nucleotide variant.
Coding change: c.736C>G on transcript NM_052813.5 (MANE Select); coding-DNA position 736, C replaced by G.
Protein change: p.Leu246Val; replaces leucine 246 with valine.
Molecular consequence: missense variant.
Genome position (GRCh38, 1-based): chr9:136,370,593, G>C on the plus strand (C>G on the coding strand, the complement: CARD9 is on the minus strand). VCF-style: chr9-136370593-G-C. GRCh37 (hg19) VCF-style: chr9-139265045-G-C.
Other names: c.736C>G, p.Leu246Val (NM_052814.4); short protein forms L246V.
Identifiers: ClinVar variation 1351432 (VCV001351432.3), dbSNP rs1833240828, ClinGen allele CA375544526.
Genomic context (GRCh38, chr9:136,370,593, plus strand): 5'-CCTCCAGCTCCTGCACCCGGGCCTGGAGCAGGGCCTTCTCCTGCTGCAGCTCCCACAGCA[G>C]CTCCTGGCTGGGCCGCTGCTCCATGGCGTGCCTGAGCTTCAGCGTGTGCTTGCGCTCCAC-3'
Protein context (NP_434700.2, residues 236-256): HAMEQRPSQE[Leu246Val]LWELQQEKAL

ClinVar aggregate classification (germline): Uncertain significance (1 of 4 stars; one submission).

Conditions:
Predisposition to invasive fungal disease due to CARD9 deficiency (IMD103). Also called: Candidiasis, familial, 2, autosomal recessive; IMMUNODEFICIENCY 103, SUSCEPTIBILITY TO FUNGAL INFECTIONS; CARD9 IMMUNODEFICIENCY. Identifiers: Orphanet 457088, MedGen C1859353, MONDO:0008905, OMIM 212050.

Submission:

Labcorp Genetics (formerly Invitae), Labcorp
Classification: Uncertain significance for Predisposition to invasive fungal disease due to CARD9 deficiency. Last evaluated: 2021-12-28. Review status: criteria provided, single submitter. Criteria: Invitae Variant Classification Sherloc (09022015). Collection method: clinical testing. Allele origin: germline.
Comment: This sequence change replaces leucine, which is neutral and non-polar, with valine, which is neutral and non-polar, at codon 246 of the CARD9 protein (p.Leu246Val). This variant is not present in population databases (gnomAD no frequency). This variant has not been reported in the literature in individuals affected with CARD9-related conditions. Algorithms developed to predict the effect of missense changes on protein structure and function output the following: SIFT: "Tolerated"; PolyPhen-2: "Benign"; Align-GVGD: "Class C0". The valine amino acid residue is found in multiple mammalian species, which suggests that this missense change does not adversely affect protein function. Algorithms developed to predict the effect of sequence changes on RNA splicing suggest that this variant may create or strengthen a splice site. In summary, the available evidence is currently insufficient to determine the role of this variant in disease. Therefore, it has been classified as a Variant of Uncertain Significance.